The following is an entry in ClinVar:

NM_144999.4(LRRC45):c.1723del (p.Glu575fs)

Gene: LRRC45 (leucine rich repeat containing 45; plus strand). Cytogenetic location: 17q25.3.
Variant type: Deletion.
Coding change: c.1723del on transcript NM_144999.4 (MANE Select); coding-DNA position 1723, one base deleted (G; older notation c.1723delG).
Protein change: p.Glu575fs; shifts the reading frame from glutamic acid 575.
Molecular consequence: frameshift variant.
Genome position (GRCh38, 1-based): chr17:82,030,373, G deleted; the last of 2 consecutive G bases (chr17:82,030,372-82,030,373); deleting either gives the same sequence. VCF-style (leftmost placement, unchanged base first): chr17-82030371-TG-T. GRCh37 (hg19) VCF-style: chr17-79988247-TG-T.
Other names: short protein forms E575fs.
Identifiers: ClinVar variation 4995125 (VCV004995125.1).

ClinVar aggregate classification (germline): Uncertain significance (1 of 4 stars; one submission).

Conditions:
LRRC45-related disorder. Also called: LRRC45-related condition.

Submission:

PreventionGenetics, part of Exact Sciences
Classification: Uncertain significance for LRRC45-related condition. Last evaluated: 2025-08-13. Review status: criteria provided, single submitter. Criteria: ACMG Guidelines, 2015. Collection method: clinical testing. Allele origin: germline.
Comment: The LRRC45 c.1723delG variant is predicted to result in a frameshift and premature protein termination (p.Glu575Serfs*19). To our knowledge, this variant has not been reported in the literature or in a large population database (gnomAD), indicating this variant is rare. At this time, the clinical significance of this variant is uncertain due to the absence of conclusive functional and genetic evidence.